The following is an entry in ClinVar:

ClinVar aggregate classification (germline): Pathogenic (1 of 4 stars; one submission).

Submission:

Labcorp Genetics (formerly Invitae), Labcorp
Classification: Pathogenic. Last evaluated: 2022-06-08. Review status: criteria provided, single submitter. Criteria: Invitae Variant Classification Sherloc (09022015). Collection method: clinical testing. Allele origin: germline.
Comment: For these reasons, this variant has been classified as Pathogenic. This variant has not been reported in the literature in individuals affected with VPS13A-related conditions. This variant is not present in population databases (gnomAD no frequency). This sequence change creates a premature translational stop signal (p.Tyr2202*) in the VPS13A gene. It is expected to result in an absent or disrupted protein product. Loss-of-function variants in VPS13A are known to be pathogenic (PMID: 12404112, 21598378).

Literature cited by the submitters: PubMed 12404112; PubMed 21598378.

NM_033305.3(VPS13A):c.6606del (p.Thr2201_Tyr2202insTer)

Gene: VPS13A (vacuolar protein sorting 13 homolog A; plus strand). Cytogenetic location: 9q21.2.
Variant type: Deletion.
Coding change: c.6606del on transcript NM_033305.3 (MANE Select); coding-DNA position 6606, one base deleted (C; older notation c.6606delC).
Protein change: p.Thr2201_Tyr2202insTer.
Molecular consequence: nonsense.
Genome position (GRCh38, 1-based): chr9:77,339,743, C deleted. VCF-style (leftmost placement, unchanged base first): chr9-77339742-AC-A. GRCh37 (hg19) VCF-style: chr9-79954658-AC-A.
Other names: c.6489del, p.Thr2162_Tyr2163insTer (NM_001018037.2); c.6606del, p.Thr2201_Tyr2202insTer (NM_001018038.3, NM_015186.4).
Identifiers: ClinVar variation 2045060 (VCV002045060.4), dbSNP rs2538076085, ClinGen allele CA2580080596.